The following is an entry in ClinVar:

NM_001631.5(ALPI):c.783+8G>A

Gene: ALPI (alkaline phosphatase, intestinal; plus strand). Cytogenetic location: 2q37.1.
Variant type: single nucleotide variant.
Coding change: c.783+8G>A on transcript NM_001631.5 (MANE Select); 8 bases into the intron after coding-DNA position 783, G replaced by A.
Molecular consequence: intron variant.
Genome position (GRCh38, 1-based): chr2:232,457,707, G>A. VCF-style: chr2-232457707-G-A. GRCh37 (hg19) VCF-style: chr2-233322417-G-A.
Other names: p.?.
Identifiers: ClinVar variation 3041973 (VCV003041973.3), dbSNP rs114417218, ClinGen allele CA2166497.

ClinVar aggregate classification (germline): Benign. Review status: criteria provided, single submitter (1 of 4 stars). 2 submissions from 2 submitters: Benign (1). 1 of the submissions does not count toward it. Last evaluated 2025-06-24.

Conditions:
ALPI-related disorder. Also called: ALPI-related condition.

Allele frequency attached by ClinVar (database versions not stated): ExAC 0.00340; gnomAD 0.01033; gnomAD exomes 0.00096; 1000 Genomes Project 0.01138; 1000 Genomes Project 30x 0.01234; ESP Exome Variant Server 0.01169; TOPMed 0.01172.
gnomAD v4.1: 3,034 of 1,611,384 alleles (0.19%); highest among the groups gnomAD compares: African/African-American, 3.6%; 51 homozygotes.

Submissions (2):

Mayo Clinic Laboratories, Mayo Clinic
Classification: Benign. Last evaluated: 2025-06-24. Review status: criteria provided, single submitter. Criteria: ACMG Guidelines, 2015. Collection method: clinical testing. Allele origin: germline. Observed: 2 variant alleles.
Comment: BS1, BS2, BP4, BP7

PreventionGenetics, part of Exact Sciences
Classification: Benign for ALPI-related condition. Last evaluated: 2019-02-16. Review status: no assertion criteria provided. Collection method: clinical testing. Allele origin: germline. Not counted in ClinVar's aggregate classification.
Comment: This variant is classified as benign based on ACMG/AMP sequence variant interpretation guidelines (Richards et al. 2015 PMID: 25741868, with internal and published modifications).